The following is an entry in ClinVar:

NM_001042492.3(NF1):c.5768C>G (p.Thr1923Arg)

Gene: NF1 (neurofibromin 1; plus strand). Cytogenetic location: 17q11.2.
Variant type: single nucleotide variant.
Coding change: c.5768C>G on transcript NM_001042492.3 (MANE Select); coding-DNA position 5768, C replaced by G.
Protein change: p.Thr1923Arg; replaces threonine 1923 with arginine.
Molecular consequence: missense variant.
Genome position (GRCh38, 1-based): chr17:31,330,454, C>G. VCF-style: chr17-31330454-C-G. GRCh37 (hg19) VCF-style: chr17-29657472-C-G.
Other names: c.5705C>G, p.Thr1902Arg (NM_000267.4); short protein forms T1902R, T1923R.
Identifiers: ClinVar variation 404539 (VCV000404539.13), dbSNP rs786203824, ClinGen allele CA16615278.

ClinVar aggregate classification (germline): Pathogenic/Likely pathogenic. Review status: criteria provided, multiple submitters, no conflicts (2 of 4 stars). 5 submissions from 5 submitters: Pathogenic (1); Likely pathogenic (3). 1 of the submissions does not count toward it. Last evaluated 2025-12-09.

Conditions:
Hereditary cancer-predisposing syndrome. Also called: Tumor predisposition; Neoplastic Syndromes, Hereditary; Hereditary Cancer Syndrome; Hereditary neoplastic syndrome. Identifiers: Orphanet 140162, MedGen C0027672, MeSH D009386, MONDO:0015356.
Cardiovascular phenotype. Identifiers: MedGen CN230736.
Macrothrombocytopenia and granulocyte inclusions with or without nephritis or sensorineural hearing loss (MATINS). Also called: MYH9-Related Disease (MYH9-RD); MAY-HEGGLIN ANOMALY; DOHLE LEUKOCYTE INCLUSIONS WITH GIANT PLATELETS; ALPORT SYNDROME WITH MACROTHROMBOCYTOPENIA; Fechtner syndrome; Epstein syndrome. Identifiers: Orphanet 182050, MedGen C5200934, MONDO:0015912, OMIM 155100.
Neurofibromatosis, type 1 (NF1). Also called: Neurofibromatosis, type I; NEUROFIBROMATOSIS, TYPE I, SOMATIC; Peripheral type neurofibromatosis; VON RECKLINGHAUSEN DISEASE. Identifiers: Orphanet 636, MedGen C0027831, MONDO:0018975, OMIM 162200. Disease mechanism: loss of function.

Submissions (5):

Ambry Genetics
Classification: Likely pathogenic for Cardiovascular phenotype; Hereditary cancer-predisposing syndrome. Last evaluated: 2025-12-09. Review status: criteria provided, single submitter. Criteria: Ambry Variant Classification Scheme 2023. Collection method: clinical testing. Allele origin: germline.
Comment: The p.T1902R variant (also known as c.5705C>G), located in coding exon 38 of the NF1 gene, results from a C to G substitution at nucleotide position 5705. The threonine at codon 1902 is replaced by arginine, an amino acid with similar properties. This variant was reported in individual(s) with features consistent with NF1-related disease (Pasmant E et al. Eur J Hum Genet, 2015 May;23:596-601, Ambry internal data). This amino acid position is highly conserved in available vertebrate species. In addition, this alteration is predicted to be deleterious by in silico analysis. This missense alteration is located in a region that has a low rate of benign missense variation (Lek M et al. Nature. 2016 Aug 18;536(7616):285-91; DECIPHER: Database of Chromosomal Imbalance and Phenotype in Humans using Ensembl Resources. Firth H.V. et al. 2009. Am.J.Hum.Genet. 84, 524-533 (DOI)). This variant is considered to be rare based on population cohorts in the Genome Aggregation Database (gnomAD). Based on the majority of available evidence to date, this variant is likely to be pathogenic.

GeneDx
Classification: Likely pathogenic. Last evaluated: 2025-06-18. Review status: criteria provided, single submitter. Criteria: GeneDx Variant Classification Process June 2021. Collection method: clinical testing. Allele origin: germline. Affected: yes.
Comment: Identified in patients with features of NF1-related neurofibromatosis (PMID: 25074460; External communication with outside laboratory); Not observed at significant frequency in large population cohorts (gnomAD); In silico analysis supports that this missense variant has a deleterious effect on protein structure/function; In silico analysis supports that this missense variant has a deleterious effect on protein structure/function; This variant is associated with the following publications: (PMID: 25074460)

Johns Hopkins Genomics, Johns Hopkins University
Classification: Likely pathogenic for Macrothrombocytopenia and granulocyte inclusions with or without nephritis or sensorineural hearing loss. Last evaluated: 2025-01-13. Review status: criteria provided, single submitter. Criteria: ACMG Guidelines, 2015. Collection method: clinical testing. Allele origin: germline.
Comment: The variant (rs786203824) is absent from a large population dataset but has been reported in ClinVar (Variation ID: 404539). Bioinformatic analysis predicts that this variant would affect normal exon 39 splicing, although this has not been confirmed experimentally to our knowledge. Two bioinformatic tools predict that this substitution would be damaging to the protein and the threonine residue at this position is evolutionary conserved in all species assessed. We consider the NF1 c.5768C>G to be likely pathogenic.

Labcorp Genetics (formerly Invitae), Labcorp
Classification: Pathogenic for Neurofibromatosis, type 1. Last evaluated: 2024-10-15. Review status: criteria provided, single submitter. Criteria: Invitae Variant Classification Sherloc (09022015). Collection method: clinical testing. Allele origin: germline.
Comment: This sequence change replaces threonine, which is neutral and polar, with arginine, which is basic and polar, at codon 1902 of the NF1 protein (p.Thr1902Arg). This variant is not present in population databases (gnomAD no frequency). This missense change has been observed in individual(s) with clinical features of neurofibromatosis type 1 (PMID: 25074460; internal data). In at least one individual the variant was observed to be de novo. ClinVar contains an entry for this variant (Variation ID: 404539). Invitae Evidence Modeling of protein sequence and biophysical properties (such as structural, functional, and spatial information, amino acid conservation, physicochemical variation, residue mobility, and thermodynamic stability) indicates that this missense variant is expected to disrupt NF1 protein function with a positive predictive value of 95%. Algorithms developed to predict the effect of sequence changes on RNA splicing suggest that this variant may disrupt the consensus splice site. For these reasons, this variant has been classified as Pathogenic.

Center for Human Genetics, Inc
Classification: Uncertain significance for Neurofibromatosis, type 1. Last evaluated: 2016-11-01. Review status: flagged submission. Criteria: ACMG Guidelines, 2015. Collection method: clinical testing. Allele origin: germline. Affected: yes. Not counted in ClinVar's aggregate classification.
ClinVar note: Reason: Older claim that does not account for recent evidence

Literature cited by the submitters: PubMed 25074460 (cited by 3 submitters); PubMed 35885913 (cited by Johns Hopkins Genomics, Johns Hopkins University).